The following is an entry in ClinVar:

ClinVar aggregate classification (germline): Uncertain significance (1 of 4 stars; one submission).

Conditions:
Muscular dystrophy-dystroglycanopathy (congenital with brain and eye anomalies), type a, 8 (MDDGA8). Also called: WALKER-WARBURG SYNDROME OR MUSCLE-EYE-BRAIN DISEASE, GTDC2-RELATED. Identifiers: Orphanet 899, MedGen C3553813, MONDO:0013904, OMIM 614830.

Allele frequency attached by ClinVar (database versions not stated): TOPMed 0.00003; ExAC 0.00004; gnomAD exomes 0.00004; gnomAD 0.00005; ESP Exome Variant Server 0.00015.
gnomAD v4.1: 69 of 1,613,814 alleles (0.0043%); highest among the groups gnomAD compares: Admixed American, 0.01%; no homozygotes.

Submission:

Labcorp Genetics (formerly Invitae), Labcorp
Classification: Uncertain significance for Muscular dystrophy-dystroglycanopathy (congenital with brain and eye anomalies), type a, 8. Last evaluated: 2022-08-21. Review status: criteria provided, single submitter. Criteria: Invitae Variant Classification Sherloc (09022015). Collection method: clinical testing. Allele origin: germline.
Comment: This sequence change replaces arginine, which is basic and polar, with glutamine, which is neutral and polar, at codon 472 of the POMGNT2 protein (p.Arg472Gln). This variant is present in population databases (rs147074827, gnomAD 0.009%). This variant has not been reported in the literature in individuals affected with POMGNT2-related conditions. ClinVar contains an entry for this variant (Variation ID: 656115). Algorithms developed to predict the effect of missense changes on protein structure and function output the following: SIFT: "Tolerated"; PolyPhen-2: "Benign"; Align-GVGD: "Class C0". The glutamine amino acid residue is found in multiple mammalian species, which suggests that this missense change does not adversely affect protein function. In summary, the available evidence is currently insufficient to determine the role of this variant in disease. Therefore, it has been classified as a Variant of Uncertain Significance.

NM_032806.6(POMGNT2):c.1415G>A (p.Arg472Gln)

Gene: POMGNT2 (protein O-linked mannose N-acetylglucosaminyltransferase 2 (beta 1,4-); minus strand). Cytogenetic location: 3p22.1.
Variant type: single nucleotide variant.
Coding change: c.1415G>A on transcript NM_032806.6 (MANE Select); coding-DNA position 1415, G replaced by A.
Protein change: p.Arg472Gln; replaces arginine 472 with glutamine.
Molecular consequence: missense variant.
Genome position (GRCh38, 1-based): chr3:43,080,017, C>T on the plus strand (G>A on the coding strand, the complement: POMGNT2 is on the minus strand). VCF-style: chr3-43080017-C-T. GRCh37 (hg19) VCF-style: chr3-43121509-C-T.
Other names: short protein forms R472Q.
Identifiers: ClinVar variation 656115 (VCV000656115.3), dbSNP rs147074827, ClinGen allele CA2339847.
Genomic context (GRCh38, chr3:43,080,017, plus strand): 5'-GCCTGGCACCGTGCCTCCCGCACCTTGCCTGGATATAGGCCGACTGTCCACTTCTGCTTC[C>T]GTGGTCCTGGCCGGCCCTTCACCACGCGCCGTATGGTTTGAATGAGGGACGGGATGTCCA-3'
Protein context (NP_116195.2, residues 462-482): RRVVKGRPGP[Arg472Gln]KQKWTVGLYP